The following is an entry in ClinVar:

NC_000019.9:g.(?_41205952)_(41211372_?)dup

Gene: COQ8B (coenzyme Q8B; minus strand). Cytogenetic location: 19q13.2.
Variant type: Duplication.
Identifiers: ClinVar variation 3242713 (VCV003242713.1).

ClinVar aggregate classification (germline): Likely pathogenic (1 of 4 stars; one submission).

Submission:

Labcorp Genetics (formerly Invitae), Labcorp
Classification: Likely pathogenic. Last evaluated: 2023-11-27. Review status: criteria provided, single submitter. Criteria: Invitae Variant Classification Sherloc (09022015). Collection method: clinical testing. Allele origin: unknown.
Comment: This variant results in a copy number gain of the genomic region encompassing exon(s) 6-12 of the COQ8B gene. While the exact position of this variant cannot be determined from the data, sub-genic copy number gains are generally in tandem (PMID: 25640679). This variant is predicted to be out-of-frame, and may result in an absent or disrupted protein product. Loss-of-function variants in COQ8B are known to be pathogenic (PMID: 24270420). This variant has not been reported in the literature in individuals affected with COQ8B-related conditions. In summary, the currently available evidence indicates that the variant is pathogenic, but additional data are needed to prove that conclusively. Therefore, this variant has been classified as Likely Pathogenic.

Literature cited by the submitters: PubMed 25640679; PubMed 24270420.